The following is an entry in ClinVar:

NM_003628.6(PKP4):c.406A>T (p.Ser136Cys)

Gene: PKP4 (plakophilin 4; plus strand). Cytogenetic location: 2q24.1.
Variant type: single nucleotide variant.
Coding change: c.406A>T on transcript NM_003628.6 (MANE Select); coding-DNA position 406, A replaced by T.
Protein change: p.Ser136Cys; replaces serine 136 with cysteine.
Molecular consequence: missense variant. On other transcripts: 5 prime UTR variant (1), nonsense (3).
Genome position (GRCh38, 1-based): chr2:158,621,115, A>T. VCF-style: chr2-158621115-A-T. GRCh37 (hg19) VCF-style: chr2-159477627-A-T.
Other names: c.406A>T, p.Ser136Cys (NM_001005476.4, NM_001304969.3, NM_001304971.2 and 6 more transcripts); c.-544A>T (NM_001304970.3); c.406A>T, p.Arg136Ter (NM_001377222.1, NM_001377223.1, NM_001377224.1); short protein forms R136*, S136C.
Identifiers: ClinVar variation 3419564 (VCV003419564.1).

ClinVar aggregate classification (germline): Uncertain significance (1 of 4 stars; one submission).

gnomAD v4.1: 20 of 1,614,184 alleles (0.0012%); highest among the groups gnomAD compares: East Asian, 0.04%; no homozygotes.

Submission:

Ambry Genetics
Classification: Uncertain significance. Last evaluated: 2024-07-01. Review status: criteria provided, single submitter. Criteria: Ambry Variant Classification Scheme 2023. Collection method: clinical testing. Allele origin: germline.
Comment: The p.S136C variant (also known as c.406A>T), located in coding exon 4 of the PKP4 gene, results from an A to T substitution at nucleotide position 406. The serine at codon 136 is replaced by cysteine, an amino acid with dissimilar properties. This amino acid position is conserved. In addition, the in silico prediction for this alteration is inconclusive. Based on the available evidence, the clinical significance of this variant remains unclear.